The following is an entry in ClinVar:

NM_000021.4(PSEN1):c.437T>C (p.Met146Thr)

Gene: PSEN1 (presenilin 1; plus strand). Cytogenetic location: 14q24.2.
Variant type: single nucleotide variant.
Coding change: c.437T>C on transcript NM_000021.4 (MANE Select); coding-DNA position 437, T replaced by C.
Protein change: p.Met146Thr; replaces methionine 146 with threonine.
Molecular consequence: missense variant.
Genome position (GRCh38, 1-based): chr14:73,173,664, T>C. VCF-style: chr14-73173664-T-C. GRCh37 (hg19) VCF-style: chr14-73640372-T-C.
Other names: c.425T>C, p.Met142Thr (NM_007318.3); short protein forms M142T, M146T.
Identifiers: ClinVar variation 3339997 (VCV003339997.1).

ClinVar aggregate classification (germline): Likely pathogenic (1 of 4 stars; one submission).

Conditions:
Alzheimer disease 3 (AD3). Also called: ALZHEIMER DISEASE, FAMILIAL, 3. Identifiers: Orphanet 1020, MedGen C1843013, MONDO:0011913, OMIM 607822.

Submission:

Women's Health and Genetics/Laboratory Corporation of America, LabCorp
Classification: Likely pathogenic for Alzheimer disease 3. Last evaluated: 2024-06-18. Review status: criteria provided, single submitter. Criteria: LabCorp Variant Classification Summary - May 2015. Collection method: clinical testing. Allele origin: germline.
Comment: Variant summary: PSEN1 c.437T>C (p.Met146Thr) results in a non-conservative amino acid change in the encoded protein sequence. Four of five in-silico tools predict a damaging effect of the variant on protein function. The variant was absent in 251472 control chromosomes. To our knowledge, no occurrence of c.437T>C in individuals affected with Alzheimer Disease, Type 3 and no experimental evidence demonstrating its impact on protein function have been reported. However, multiple variants affecting the same codon (e.g. Met146Ile, Met146Val, Met146Leu) have been reported in affected individuals and have been classified as pathogenic in ClinVar, indicating the critical relevance of codon 146 to PSEN1 function. No submitters have cited clinical-significance assessments for this variant to ClinVar. Based on the evidence outlined above, the variant was classified as likely pathogenic.